The following is an entry in ClinVar:

NM_000445.5(PLEC):c.126C>T (p.Ser42=)

Gene: PLEC (plectin; minus strand). Cytogenetic location: 8q24.3.
Variant type: single nucleotide variant.
Coding change: c.126C>T on transcript NM_000445.5; coding-DNA position 126, C replaced by T.
Protein change: p.Ser42=; no amino-acid change (serine 42 retained).
Molecular consequence: synonymous variant.
Genome position (GRCh38, 1-based): chr8:143,975,244, G>A on the plus strand (C>T on the coding strand, the complement: PLEC is on the minus strand). VCF-style: chr8-143975244-G-A. GRCh37 (hg19) VCF-style: chr8-145049412-G-A.
Other names: c.126C>T, p.Ser42= (NM_001410941.1).
Identifiers: ClinVar variation 4990986 (VCV004990986.1).

ClinVar aggregate classification (germline): Likely benign (1 of 4 stars; one submission).

Conditions:
PLEC-related disorder. Also called: PLEC-related condition; PLEC-related disorders.

Submission:

PreventionGenetics, part of Exact Sciences
Classification: Likely benign for PLEC-related condition. Last evaluated: 2026-03-27. Review status: criteria provided, single submitter. Criteria: ACMG Guidelines, 2015. Collection method: clinical testing. Allele origin: germline.
Comment: This variant is classified as likely benign based on ACMG/AMP sequence variant interpretation guidelines (Richards et al. 2015 PMID: 25741868, with internal and published modifications).